The following is an entry in ClinVar:

NM_000020.3(ACVRL1):c.626-2A>G

Gene: ACVRL1 (activin A receptor like type 1; plus strand). Cytogenetic location: 12q13.13.
Variant type: single nucleotide variant.
Coding change: c.626-2A>G on transcript NM_000020.3 (MANE Select); the canonical splice acceptor site of the intron before coding-DNA position 626, A replaced by G.
Molecular consequence: splice acceptor variant.
Genome position (GRCh38, 1-based): chr12:51,914,437, A>G. VCF-style: chr12-51914437-A-G. GRCh37 (hg19) VCF-style: chr12-52308221-A-G.
Other names: c.626-2A>G (NM_001406487.1, NM_001406488.1, NM_001077401.2 and 1 more transcripts); c.314-2A>G (NM_001406491.1, NM_001406490.1, NM_001406492.1 and 2 more transcripts); c.62-2A>G (NM_001406495.1).
Identifiers: ClinVar variation 982487 (VCV000982487.7), dbSNP rs1940780382, ClinGen allele CA384899939.
Genomic context (GRCh38, chr12:51,914,437, plus strand): 5'-GGGGCTCTTCCAGGGCTCTGTGTGCCCAGTGTGTAACCCTCACCTTCCCCTCTGGCCATC[A>G]GGAAAAGGCCGCTATGGCGAAGTGTGGCGGGGCTTGTGGCACGGTGAGAGTGTGGCCGTC-3'

ClinVar aggregate classification (germline): Pathogenic. Review status: criteria provided, multiple submitters, no conflicts (2 of 4 stars). 2 submissions from 2 submitters: Pathogenic (2). Last evaluated 2021-09-08.

Conditions:
Telangiectasia, hereditary hemorrhagic, type 2 (HHT2). Also called: Telangiectasia, hereditary hemorrhagic, type II; ACVRL1-Related Hereditary Hemorrhagic Telangiectasia. Identifiers: Orphanet 774, MedGen C1838163, MONDO:0010880, OMIM 600376. Disease mechanism: loss of function.

Submissions (2):

Labcorp Genetics (formerly Invitae), Labcorp
Classification: Pathogenic for Telangiectasia, hereditary hemorrhagic, type 2. Last evaluated: 2021-09-08. Review status: criteria provided, single submitter. Criteria: Invitae Variant Classification Sherloc (09022015). Collection method: clinical testing. Allele origin: germline.
Comment: This sequence change affects an acceptor splice site in intron 5 of the ACVRL1 gene. It is expected to disrupt RNA splicing. Variants that disrupt the donor or acceptor splice site typically lead to a loss of protein function (PMID: 16199547), and loss-of-function variants in ACVRL1 are known to be pathogenic (PMID: 15879500). This variant is not present in population databases (ExAC no frequency). Disruption of this splice site has been observed in individuals with hereditary hemorrhagic telangiectasia (Invitae). ClinVar contains an entry for this variant (Variation ID: 982487). Algorithms developed to predict the effect of sequence changes on RNA splicing suggest that this variant may disrupt the consensus splice site. For these reasons, this variant has been classified as Pathogenic.

NIHR Bioresource Rare Diseases, University of Cambridge
Classification: Pathogenic for Telangiectasia, hereditary hemorrhagic, type 2. Last evaluated: 2018-01-01. Review status: criteria provided, single submitter. Criteria: ACMG Guidelines, 2015. Collection method: research. Allele origin: unknown. Affected: yes. Observed: 1 variant allele.
Comment: PVS1+PM2+PP4

Literature cited by the submitters: PubMed 16199547 (cited by Labcorp Genetics (formerly Invitae), Labcorp); PubMed 15879500 (cited by Labcorp Genetics (formerly Invitae), Labcorp); PubMed 32573726 (cited by NIHR Bioresource Rare Diseases, University of Cambridge).